The following is an entry in ClinVar:

ClinVar aggregate classification (germline): Uncertain significance. Review status: criteria provided, multiple submitters, no conflicts (2 of 4 stars). 2 submissions from 2 submitters: Uncertain significance (2). Last evaluated 2025-04-06.

Conditions:
Hereditary cancer-predisposing syndrome. Also called: Neoplastic Syndromes, Hereditary; Tumor predisposition; Hereditary Cancer Syndrome; Hereditary neoplastic syndrome. Identifiers: Orphanet 140162, MedGen C0027672, MeSH D009386, MONDO:0015356.

Submissions (2):

Ambry Genetics
Classification: Uncertain significance for Hereditary cancer-predisposing syndrome. Last evaluated: 2025-04-06. Review status: criteria provided, single submitter. Criteria: Ambry Variant Classification Scheme 2023. Collection method: clinical testing. Allele origin: germline.
Comment: The p.T983S variant (also known as c.2948C>G), located in coding exon 21 of the MSH3 gene, results from a C to G substitution at nucleotide position 2948. The threonine at codon 983 is replaced by serine, an amino acid with similar properties. This amino acid position is conserved. In addition, this alteration is predicted to be deleterious by in silico analysis. Since supporting evidence is limited at this time, the clinical significance of this alteration remains unclear.

Labcorp Genetics (formerly Invitae), Labcorp
Classification: Uncertain significance. Last evaluated: 2025-03-12. Review status: criteria provided, single submitter. Criteria: Invitae Variant Classification Sherloc (09022015). Collection method: clinical testing. Allele origin: germline.
Comment: This sequence change replaces threonine, which is neutral and polar, with serine, which is neutral and polar, at codon 983 of the MSH3 protein (p.Thr983Ser). This variant is not present in population databases (gnomAD no frequency). This variant has not been reported in the literature in individuals affected with MSH3-related conditions. ClinVar contains an entry for this variant (Variation ID: 1797990). An algorithm developed to predict the effect of missense changes on protein structure and function (PolyPhen-2) suggests that this variant is likely to be disruptive. In summary, the available evidence is currently insufficient to determine the role of this variant in disease. Therefore, it has been classified as a Variant of Uncertain Significance.

NM_002439.5(MSH3):c.2948C>G (p.Thr983Ser)

Gene: MSH3 (mutS homolog 3; plus strand). Cytogenetic location: 5q14.1.
Variant type: single nucleotide variant.
Coding change: c.2948C>G on transcript NM_002439.5 (MANE Select); coding-DNA position 2948, C replaced by G.
Protein change: p.Thr983Ser; replaces threonine 983 with serine.
Molecular consequence: missense variant.
Genome position (GRCh38, 1-based): chr5:80,854,264, C>G. VCF-style: chr5-80854264-C-G. GRCh37 (hg19) VCF-style: chr5-80150083-C-G.
Other names: short protein forms T983S.
Identifiers: ClinVar variation 1797990 (VCV001797990.6), dbSNP rs1745879812, ClinGen allele CA360275752.